The following is an entry in ClinVar:

NM_000038.6(APC):c.5697A>G (p.Glu1899=)

Gene: APC (APC regulator of Wnt signaling pathway; plus strand). Cytogenetic location: 5q22.2.
Variant type: single nucleotide variant.
Coding change: c.5697A>G on transcript NM_000038.6 (MANE Select); coding-DNA position 5697, A replaced by G.
Protein change: p.Glu1899=; no amino-acid change (glutamic acid 1899 retained).
Molecular consequence: synonymous variant.
Genome position (GRCh38, 1-based): chr5:112,841,291, A>G. VCF-style: chr5-112841291-A-G. GRCh37 (hg19) VCF-style: chr5-112176988-A-G.
Other names: c.5697A>G, p.Glu1899= (NM_001127510.3, NM_001354895.2); c.5643A>G, p.Glu1881= (NM_001127511.3); c.5751A>G, p.Glu1917= (NM_001354896.2); c.5727A>G, p.Glu1909= (NM_001354897.2); c.5622A>G, p.Glu1874= (NM_001354898.2); c.5613A>G, p.Glu1871= (NM_001354899.2); c.5574A>G, p.Glu1858= (NM_001354900.2); c.5520A>G, p.Glu1840= (NM_001354901.2); and 5 more.
Identifiers: ClinVar variation 1171303 (VCV001171303.6), dbSNP rs1429224530, ClinGen allele CA446209379.
Genomic context (GRCh38, chr5:112,841,291, plus strand): 5'-TGAATTAAGAAAGGCAAAAGAAAATAAGGAATCAGAGGCTAAAGTTACCAGCCACACAGA[A>G]CTAACCTCCAACCAACAATCAGCTAATAAGACACAAGCTATTGCAAAGCAGCCAATAAAT-3'
Protein context (NP_000029.2, residues 1889-1909): ESEAKVTSHT[Glu1899=]LTSNQQSANK

ClinVar aggregate classification (germline): Benign/Likely benign. Review status: criteria provided, multiple submitters, no conflicts (2 of 4 stars). 4 submissions from 4 submitters: Benign (1); Likely benign (3). Last evaluated 2024-04-02.

Conditions:
Familial adenomatous polyposis 1 (FAP1). Also called: FAMILIAL ADENOMATOUS POLYPOSIS 1, ATTENUATED; POLYPOSIS, ADENOMATOUS INTESTINAL. Identifiers: MedGen C2713442, MONDO:0021056, OMIM 175100. Disease mechanism: loss of function.
Hereditary cancer-predisposing syndrome. Also called: Tumor predisposition; Hereditary neoplastic syndrome; Hereditary Cancer Syndrome; Neoplastic Syndromes, Hereditary. Identifiers: Orphanet 140162, MedGen C0027672, MeSH D009386, MONDO:0015356.
Classic or attenuated familial adenomatous polyposis. Identifiers: MedGen CN372698, MONDO:0021057.

gnomAD v4.1: 1 of 1,613,990 alleles (0.000062%); highest among the groups gnomAD compares: Non-Finnish European, 0.000085%; no homozygotes.

Submissions (4):

Myriad Genetics, Inc.
Classification: Benign for Familial adenomatous polyposis 1. Last evaluated: 2024-04-02. Review status: criteria provided, single submitter. Criteria: Myriad Autosomal Dominant, Autosomal Recessive and X-Linked Classification Criteria (2023). Collection method: clinical testing. Allele origin: unknown.
Comment: This variant is considered benign. This variant is a silent/synonymous amino acid change and it is not expected to impact splicing.

Labcorp Genetics (formerly Invitae), Labcorp
Classification: Likely benign for Familial adenomatous polyposis 1. Last evaluated: 2024-02-16. Review status: criteria provided, single submitter. Criteria: Invitae Variant Classification Sherloc (09022015). Collection method: clinical testing. Allele origin: germline.

All of Us Research Program, National Institutes of Health
Classification: Likely benign for Classic or attenuated familial adenomatous polyposis. Last evaluated: 2023-11-30. Review status: criteria provided, single submitter. Criteria: ACMG Guidelines, 2015. Collection method: clinical testing. Allele origin: germline. Inheritance: Autosomal dominant inheritance. Observed: 1 variant allele, 1 heterozygote.
Comment: This study involves interpretation of variants in research participants for the purpose of population health screening. Participant phenotype was not available at the time of variant classification. Additional details can be found in publication PMID: 35346344, PMCID: PMC8962531

Color Diagnostics, LLC DBA Color Health
Classification: Likely benign for Hereditary cancer-predisposing syndrome. Last evaluated: 2017-06-14. Review status: criteria provided, single submitter. Criteria: ACMG Guidelines, 2015. Collection method: clinical testing. Allele origin: germline.